The following is an entry in ClinVar:

ClinVar aggregate classification (germline): Uncertain significance. Review status: criteria provided, multiple submitters, no conflicts (2 of 4 stars). 2 submissions from 2 submitters: Uncertain significance (2). Last evaluated 2024-10-17.

Conditions:
Atypical glycine encephalopathy. Also called: Glycine encephalopathy with normal serum glycine. Identifiers: Orphanet 289863, MedGen C4310943, MONDO:0015010, OMIM 617301.
Inborn genetic diseases. Identifiers: MedGen C0950123, MeSH D030342.

Allele frequency attached by ClinVar (database versions not stated): ExAC 0.00002; gnomAD exomes 0.00003 and 0.00005; gnomAD 0.00007 and 0.00008; TOPMed 0.00009; 1000 Genomes Project 30x 0.00016; 1000 Genomes Project 0.00020.
gnomAD v4.1: 54 of 1,614,138 alleles (0.0033%); highest among the groups gnomAD compares: Admixed American, 0.02%; no homozygotes.

Submissions (2):

Labcorp Genetics (formerly Invitae), Labcorp
Classification: Uncertain significance for Atypical glycine encephalopathy. Last evaluated: 2024-10-17. Review status: criteria provided, single submitter. Criteria: Invitae Variant Classification Sherloc (09022015). Collection method: clinical testing. Allele origin: germline.
Comment: This sequence change replaces asparagine, which is neutral and polar, with histidine, which is basic and polar, at codon 237 of the SLC6A9 protein (p.Asn237His). This variant is present in population databases (rs199558856, gnomAD 0.01%). This variant has not been reported in the literature in individuals affected with SLC6A9-related conditions. ClinVar contains an entry for this variant (Variation ID: 1352668). An algorithm developed to predict the effect of missense changes on protein structure and function (PolyPhen-2) suggests that this variant¬†is likely to be tolerated. In summary, the available evidence is currently insufficient to determine the role of this variant in disease. Therefore, it has been classified as a Variant of Uncertain Significance.

Ambry Genetics
Classification: Uncertain significance for Inborn genetic diseases. Last evaluated: 2023-12-19. Review status: criteria provided, single submitter. Criteria: Ambry Variant Classification Scheme 2023. Collection method: clinical testing. Allele origin: germline.

NM_001024845.3(SLC6A9):c.490A>C (p.Asn164His)

Gene: SLC6A9 (solute carrier family 6 member 9; minus strand). Cytogenetic location: 1p34.1.
Variant type: single nucleotide variant.
Coding change: c.490A>C on transcript NM_001024845.3 (MANE Select); coding-DNA position 490, A replaced by C.
Protein change: p.Asn164His; replaces asparagine 164 with histidine.
Molecular consequence: missense variant. On other transcripts: non-coding transcript variant (1).
Genome position (GRCh38, 1-based): chr1:44,008,453, T>G on the plus strand (A>C on the coding strand, the complement: SLC6A9 is on the minus strand). VCF-style: chr1-44008453-T-G. GRCh37 (hg19) VCF-style: chr1-44474125-T-G.
Other names: c.502A>C, p.Asn168His (NM_001261380.2); c.157A>C, p.Asn53His (NM_001328626.2, NM_001328630.2); c.427A>C, p.Asn143His (NM_001328627.1); c.295A>C, p.Asn99His (NM_001328628.1); c.490A>C, p.Asn164His (NM_001328629.1); c.547A>C, p.Asn183His (NM_006934.4); c.709A>C, p.Asn237His (NM_201649.4); c.709A>C (NM_201649.2); short protein forms N143H, N164H, N183H, N53H, N99H, N237H, N168H.
Identifiers: ClinVar variation 1352668 (VCV001352668.8), dbSNP rs199558856, ClinGen allele CA817787.
Genomic context (GRCh38, chr1:44,008,453, plus strand): 5'-GGTTGAGCAGGTGGGAGAGGTTGCTGGGCAAGGCGGCTGGCCGAGAGCCATTGGTGAGGT[T>G]GGAGGCGTCCAGTACACCGGCGCAGTCATGCGTGTTCCAGGGGTTATTGCAGTAGGCCCA-3'
Protein context (NP_001020016.1, residues 154-174): HDCAGVLDAS[Asn164His]LTNGSRPAAL